The following is an entry in ClinVar:

ClinVar aggregate classification (germline): Pathogenic/Likely pathogenic. Review status: criteria provided, multiple submitters, no conflicts (2 of 4 stars). 10 submissions from 10 submitters: Pathogenic (7); Likely pathogenic (1). 2 of the submissions do not count toward it. Last evaluated 2025-09-29.

Conditions:
Hereditary cancer-predisposing syndrome. Also called: Tumor predisposition; Neoplastic Syndromes, Hereditary; Hereditary Cancer Syndrome; Hereditary neoplastic syndrome. Identifiers: Orphanet 140162, MedGen C0027672, MeSH D009386, MONDO:0015356.
Melanoma-pancreatic cancer syndrome. Identifiers: Orphanet 404560, MedGen C1838547, MONDO:0011713, OMIM 606719. Disease mechanism: loss of function.
Melanoma, cutaneous malignant, susceptibility to, 2 (CMM2). Also called: CDKN2A-Related Cutaneous Malignant Melanoma; Cutaneous malignant melanoma 2. Identifiers: Orphanet 618, MedGen C1835044, MONDO:0007964, OMIM 155601.
Familial melanoma. Also called: Hereditary melanoma; Hereditary cutaneous melanoma. Identifiers: Orphanet 618, MedGen C1512419, MONDO:0018961.

gnomAD v4.1: 1 of 1,607,900 alleles (0.000062%); highest among the groups gnomAD compares: Non-Finnish European, 0.000085%; no homozygotes.

Submissions (10):

Myriad Genetics, Inc.
Classification: Likely pathogenic for Melanoma-pancreatic cancer syndrome. Last evaluated: 2025-09-29. Review status: criteria provided, single submitter. Criteria: Myriad Autosomal Dominant, Autosomal Recessive and X-Linked Classification Criteria (2023). Collection method: clinical testing. Allele origin: unknown.
Comment: This variant is considered likely pathogenic. This variant has shown to segregate with cancer in one or more families [Myriad internal data].

GeneKor MSA
Classification: Pathogenic for Melanoma-pancreatic cancer syndrome. Last evaluated: 2025-05-15. Review status: criteria provided, single submitter. Criteria: ACMG Guidelines, 2015. Collection method: clinical testing. Allele origin: germline. Affected: yes.
Comment: This is a missense variant resulting in the substitution of leucine with arginine at position 16 of the CDKN2A protein p.(Leu16Arg). This variant is not reported in population databases (rs864622263) and is listed in the ClinVar database as pathogenic (VCV000219815.25). The variant has been described in the international literature in patients with melanoma (PMID:10861313, 12072543, 15146471, 15173226, 16169933, 16172233, 16234564, 16896043, 17218939, 21150883, 21462282, 25685612) and pancreatic cancer (PMID:25356972). Furthermore, alterations affecting leucine at position 16 of the CDKN2A protein have been characterized as pathogenic in additional studies (PMID:17624602, 20340136, 21462282). Based on this body of evidence, the variant is classified as pathogenic.

Quest Diagnostics Nichols Institute San Juan Capistrano
Classification: Pathogenic. Last evaluated: 2024-10-29. Review status: criteria provided, single submitter. Criteria: Quest Diagnostics criteria. Collection method: clinical testing. Allele origin: unknown.
Comment: The CDKN2A c.47T>G (p.Leu16Arg) variant has been reported in the published literature in individuals and families affected with melanoma and/or pancreatic cancer (PMIDs: 33823155 (2021), 33766116 (2021), 32482799 (2021)). Additionally, functional evidence suggests that this variant may impact protein function (PMID: 33823155 (2021)). This variant has not been reported in large, multi-ethnic general populations (Genome Aggregation Database). Analysis of this variant using bioinformatics tools for the prediction of the effect of amino acid changes on protein structure and function yielded predictions that this variant is damaging. Based on the available information, this variant is classified as pathogenic.

Ambry Genetics
Classification: Pathogenic for Hereditary cancer-predisposing syndrome. Last evaluated: 2024-08-19. Review status: criteria provided, single submitter. Criteria: Ambry Variant Classification Scheme 2023. Collection method: clinical testing. Allele origin: germline.
Comment: The p.L16R pathogenic mutation (also known as c.47T>G), located in coding exon 1 of the CDKN2A gene, results from a T to G substitution at nucleotide position 47. The leucine at codon 16 is replaced by arginine, an amino acid with dissimilar properties. This mutation has been observed in multiple individuals with personal and/or family history of melanoma and/or pancreatic cancer (Goldstein AM et al. J. Natl. Cancer Inst. 2000 Jun; 92(12):1006-10; Miller PJ et al. Hum. Mutat. 2011 Aug; 32(8):900-11; Horn IP et al. J Biol Chem 2021 Apr;296:100634; Overbeek KA et al. J Med Genet, 2021 04;58:264-269; Ambry internal data) and has been shown to segregate with disease in several melanoma families (Goldstein AM et al. J. Natl. Cancer Inst. 2000 Jun; 92(12):1006-10; Miller PJ et al. Hum. Mutat. 2011 Aug; 32(8):900-11). Another pathogenic alteration impacting the same codon, p.L16P, has also been observed to segregate with melanoma in several families (Soufir N et al. Hum. Mol. Genet. 1998 Feb; 7(2):209-16; Miller PJ et al. Hum. Mutat. 2011 Aug; 32(8):900-11) and has been associated with protein mislocalization and reduced binding to CDK4 and CDK6 (McKenzie HA et al. Hum. Mutat. 2010 Jun; 31(6):692-701). This amino acid position is well conserved in available vertebrate species. In addition, this alteration is predicted to be deleterious by in silico analysis. This variant is considered to be rare based on population cohorts in the Genome Aggregation Database (gnomAD). Based on the supporting evidence, this alteration is interpreted as a disease-causing mutation.

Department of Human Genetics, Hannover Medical School
Classification: Pathogenic for Melanoma, cutaneous malignant, susceptibility to, 2. Last evaluated: 2024-06-14. Review status: criteria provided, single submitter. Criteria: ACMG Guidelines, 2015. Collection method: clinical testing. Allele origin: germline. Affected: yes.

GeneDx
Classification: Pathogenic. Last evaluated: 2024-02-29. Review status: criteria provided, single submitter. Criteria: GeneDx Variant Classification Process June 2021. Collection method: clinical testing. Allele origin: germline. Affected: yes.
Comment: Published functional studies demonstrate a damaging effect: impaired cell cycle control and abolished interaction with CDK4 and CDK6 (PMID: 33823155); Not observed at significant frequency in large population cohorts (gnomAD); In silico analysis supports that this missense variant has a deleterious effect on protein structure/function; This variant is associated with the following publications: (PMID: 30039340, 12072543, 9425228, 21150883, 21462282, 17047042, 16234564, 20340136, 15173226, 16896043, 20876876, 10861313, 16905682, 16172233, 25356972, 17218939, 28726808, 29922827, 28830827, 29661971, 34399810, 32482799, 33823155)

Labcorp Genetics (formerly Invitae), Labcorp
Classification: Pathogenic for Familial melanoma. Last evaluated: 2023-11-09. Review status: criteria provided, single submitter. Criteria: Invitae Variant Classification Sherloc (09022015). Collection method: clinical testing. Allele origin: germline.
Comment: This sequence change replaces leucine, which is neutral and non-polar, with arginine, which is basic and polar, at codon 16 of the CDKN2A (p16INK4a) protein (p.Leu16Arg). This variant is not present in population databases (gnomAD no frequency). This missense change has been observed in individual(s) with melanoma and pancreatic cancer (PMID: 15173226, 16169933, 17218939, 21150883; Invitae). It has also been observed to segregate with disease in related individuals. ClinVar contains an entry for this variant (Variation ID: 219815). An algorithm developed to predict the effect of missense changes on protein structure and function (PolyPhen-2) suggests that this variant is likely to be disruptive. This variant disrupts the p.Leu16 amino acid residue in CDKN2A (p16INK4a). Other variant(s) that disrupt this residue have been determined to be pathogenic (PMID: 17624602, 20340136, 21462282). This suggests that this residue is clinically significant, and that variants that disrupt this residue are likely to be disease-causing. For these reasons, this variant has been classified as Pathogenic.

Color Diagnostics, LLC DBA Color Health
Classification: Pathogenic for Hereditary cancer-predisposing syndrome. Last evaluated: 2022-03-10. Review status: criteria provided, single submitter. Criteria: ACMG Guidelines, 2015. Collection method: clinical testing. Allele origin: germline.
Comment: The CDKN2A locus encodes two different gene products, p16INK4a and p14ARF. This missense variant replaces leucine with arginine at codon 16 of the CDKN2A (p16INK4A) protein. Computational prediction is inconclusive regarding the impact of this variant on protein structure and function (internally defined REVEL score threshold 0.5 < inconclusive < 0.7, PMID: 27666373). A functional study has shown that this variant results in reduced protein expression levels, inability to bind CDK4/CDK6, and impairment of the cell cycle control activity (PMID: 33823155). This variant has been reported in individuals and families affected with melanoma (PMID: 10861313, 12072543, 15146471, 15173226, 16169933, 16172233, 16234564, 16896043, 17218939, 21150883, 21462282, 25685612) and pancreatic cancer (PMID: 25356972). This variant has been observed in four multi-generational families affected with malignant melanoma and pancreatic cancer, where this variant has shown segregation with cancers in an autosomal dominant manner (PMID: 33823155). This variant has not been identified in the general population by the Genome Aggregation Database (gnomAD). A different missense variant at this position, p.Leu16Pro, has been shown to impair p16INK4A protein function and is classified as Pathogenic (PMID: 20340136; ClinVar variation ID: 649266), indicating that leucine at this position is important for p16INK4A protein function. Based on the available evidence, this variant is classified as Pathogenic.

Diagnostic Laboratory, Department of Genetics, University Medical Center Groningen
Classification: Pathogenic. Review status: no assertion criteria provided. Collection method: clinical testing. Allele origin: germline. Affected: yes. Study: VKGL Data-share Consensus. Not counted in ClinVar's aggregate classification.

Joint Genome Diagnostic Labs from Nijmegen and Maastricht, Radboudumc and MUMC+
Classification: Pathogenic. Review status: no assertion criteria provided. Collection method: clinical testing. Allele origin: germline. Affected: yes. Study: VKGL Data-share Consensus. Not counted in ClinVar's aggregate classification.

Literature cited by the submitters: PubMed 10861313 (cited by 3 submitters); PubMed 12072543 (cited by GeneKor MSA and Color Diagnostics, LLC DBA Color Health); PubMed 15146471 (cited by GeneKor MSA and Color Diagnostics, LLC DBA Color Health); PubMed 15173226 (cited by 3 submitters); PubMed 16169933 (cited by 3 submitters); PubMed 16172233 (cited by GeneKor MSA and Color Diagnostics, LLC DBA Color Health); PubMed 16234564 (cited by GeneKor MSA and Color Diagnostics, LLC DBA Color Health); PubMed 16896043 (cited by GeneKor MSA and Color Diagnostics, LLC DBA Color Health); PubMed 17218939 (cited by 4 submitters); PubMed 21150883 (cited by 4 submitters); PubMed 21462282 (cited by 4 submitters); PubMed 25685612 (cited by GeneKor MSA and Color Diagnostics, LLC DBA Color Health); PubMed 25356972 (cited by GeneKor MSA and Color Diagnostics, LLC DBA Color Health); PubMed 17624602 (cited by GeneKor MSA and Labcorp Genetics (formerly Invitae), Labcorp); PubMed 20340136 (cited by 4 submitters); PubMed 33823155 (cited by 3 submitters); PubMed 33766116 (cited by Quest Diagnostics Nichols Institute San Juan Capistrano and Ambry Genetics); PubMed 32482799 (cited by Quest Diagnostics Nichols Institute San Juan Capistrano and Ambry Genetics); PubMed 23187834 (cited by Ambry Genetics); PubMed 26333485 (cited by Ambry Genetics); PubMed 28830827 (cited by Ambry Genetics); PubMed 29661971 (cited by Ambry Genetics); PubMed 9425228 (cited by Ambry Genetics).

NM_000077.5(CDKN2A):c.47T>G (p.Leu16Arg)

Gene: CDKN2A (cyclin dependent kinase inhibitor 2A; minus strand). Cytogenetic location: 9p21.3.
Variant type: single nucleotide variant.
Coding change: c.47T>G on transcript NM_000077.5; coding-DNA position 47, T replaced by G.
Protein change: p.Leu16Arg; replaces leucine 16 with arginine.
Molecular consequence: missense variant (on NM_000077.6). On other transcripts: intron variant (2).
Genome position (GRCh38, 1-based): chr9:21,974,781, A>C on the plus strand (T>G on the coding strand, the complement: CDKN2A is on the minus strand). VCF-style: chr9-21974781-A-C. GRCh37 (hg19) VCF-style: chr9-21974780-A-C.
Other names: c.47T>G, p.Leu16Arg (NM_000077.6, NM_001195132.2, NM_058197.5); c.-3-3573T>G (NM_001363763.2); c.194-3573T>G (NM_058195.4); short protein forms L16R.
Identifiers: ClinVar variation 219815 (VCV000219815.28), dbSNP rs864622263, ClinGen allele CA350461.